The following is an entry in ClinVar:

NM_001042492.3(NF1):c.1682_1688dup (p.Asp564fs)

Gene: NF1 (neurofibromin 1; plus strand). Cytogenetic location: 17q11.2.
Variant type: Duplication.
Coding change: c.1682_1688dup on transcript NM_001042492.3 (MANE Select); coding-DNA positions 1682 to 1688, 7 bases duplicated (GGAATCC; older notation c.1682_1688dupGGAATCC).
Protein change: p.Asp564fs; shifts the reading frame from aspartic acid 564.
Molecular consequence: frameshift variant.
Genome position (GRCh38, 1-based): chr17:31,221,890-31,221,896, GGAATCC duplicated. VCF-style (leftmost placement, unchanged base first): chr17-31221889-T-TGGAATCC. GRCh37 (hg19) VCF-style: chr17-29548907-T-TGGAATCC.
Other names: c.1682_1688dup, p.Asp564Glufs (NM_000267.4); c.1682_1688dup, p.Asp564fs (NM_001128147.3); short protein forms D564fs.
Identifiers: ClinVar variation 1256429 (VCV001256429.1), dbSNP rs2144004346, ClinGen allele CA2499224002.
Genomic context (GRCh38, chr17:31,221,889, plus strand): 5'-TCTCTTTTTTAAAAAATTCAGGCTCTGCTGGTTCTTCATCAGTTAGATAGCATTGATTTG[T>TGGAATCC]GGAATCCTGATGCTCCTGTAGAAACATTTTGGGAGATTAGGTATATGTACTTTTATTTTT-3'

ClinVar aggregate classification (germline): Pathogenic (1 of 4 stars; one submission).

Submission:

Athena Diagnostics
Classification: Pathogenic. Last evaluated: 2020-11-20. Review status: criteria provided, single submitter. Criteria: Athena Diagnostics criteria. Collection method: clinical testing. Allele origin: unknown.
Comment: This variant is expected to result in the loss of a functional protein. This variant has not been reported in large, multi-ethnic general populations. This variant has been identified in at least one individual with clinical features associated with this gene.